The following is an entry in ClinVar:

ClinVar aggregate classification (germline): Benign/Likely benign. Review status: criteria provided, multiple submitters, no conflicts (2 of 4 stars). 3 submissions from 3 submitters: Benign (1); Likely benign (1). 1 of the submissions does not count toward it. Last evaluated 2026-01-29.

Conditions:
TRRAP-related disorder. Also called: TRRAP-related condition.

Allele frequency attached by ClinVar (database versions not stated): ExAC 0.00048; ESP Exome Variant Server 0.00161; 1000 Genomes Project 30x 0.00219; 1000 Genomes Project 0.00220.
gnomAD v4.1: 530 of 1,614,112 alleles (0.033%); highest among the groups gnomAD compares: African/African-American, 0.48%; 1 homozygote.

Submissions (3):

Labcorp Genetics (formerly Invitae), Labcorp
Classification: Benign. Last evaluated: 2026-01-29. Review status: criteria provided, single submitter. Criteria: Invitae Variant Classification Sherloc (09022015). Collection method: clinical testing. Allele origin: germline.

CeGaT Center for Human Genetics Tuebingen
Classification: Likely benign. Last evaluated: 2023-12-01. Review status: criteria provided, single submitter. Criteria: CeGaT Center For Human Genetics Tuebingen Variant Classification Criteria Version 2. Collection method: clinical testing. Allele origin: germline. Affected: yes. Observed: 1 variant allele.
Comment: TRRAP: BP4, BP7, BS1

PreventionGenetics, part of Exact Sciences
Classification: Benign for TRRAP-related condition. Last evaluated: 2024-02-14. Review status: no assertion criteria provided. Collection method: clinical testing. Allele origin: germline. Not counted in ClinVar's aggregate classification.
Comment: This variant is classified as benign based on ACMG/AMP sequence variant interpretation guidelines (Richards et al. 2015 PMID: 25741868, with internal and published modifications).

NM_001375524.1(TRRAP):c.2601G>A (p.Pro867=)

Gene: TRRAP (transformation/transcription domain associated protein; plus strand). Cytogenetic location: 7q22.1.
Variant type: single nucleotide variant.
Coding change: c.2601G>A on transcript NM_001375524.1 (MANE Select); coding-DNA position 2601, G replaced by A.
Protein change: p.Pro867=; no amino-acid change (proline 867 retained).
Molecular consequence: synonymous variant.
Genome position (GRCh38, 1-based): chr7:98,917,658, G>A. VCF-style: chr7-98917658-G-A. GRCh37 (hg19) VCF-style: chr7-98515281-G-A.
Other names: c.2601G>A (NM_003496.3); c.2601G>A, p.Pro867= (NM_001244580.2, NM_003496.4).
Identifiers: ClinVar variation 2045602 (VCV002045602.27), dbSNP rs55865120, ClinGen allele CA4359782.